The following is an entry in ClinVar:

NM_004006.3(DMD):c.7931C>T (p.Ala2644Val)

Gene: DMD (dystrophin; minus strand). Cytogenetic location: Xp21.1.
Variant type: single nucleotide variant.
Coding change: c.7931C>T on transcript NM_004006.3 (MANE Select); coding-DNA position 7931, C replaced by T.
Protein change: p.Ala2644Val; replaces alanine 2644 with valine.
Molecular consequence: missense variant.
Genome position (GRCh38, 1-based): chrX:31,658,086, G>A on the plus strand (C>T on the coding strand, the complement: DMD is on the minus strand). VCF-style: chrX-31658086-G-A. GRCh37 (hg19) VCF-style: chrX-31676203-G-A.
Other names: c.7907C>T, p.Ala2636Val (NM_000109.4); c.7919C>T, p.Ala2640Val (NM_004009.3); c.7562C>T, p.Ala2521Val (NM_004010.3); c.3908C>T, p.Ala1303Val (NM_004011.4); c.3899C>T, p.Ala1300Val (NM_004012.4); c.551C>T, p.Ala184Val (NM_004013.3, NM_004020.4, NM_004021.3 and 2 more transcripts); short protein forms A1303V, A2636V, A2521V, A2640V, A1300V, A184V, A2644V.
Identifiers: ClinVar variation 1761290 (VCV001761290.5), dbSNP rs2528810490, ClinGen allele CA412655923.

ClinVar aggregate classification (germline): Uncertain significance. Review status: criteria provided, multiple submitters, no conflicts (2 of 4 stars). 2 submissions from 2 submitters: Uncertain significance (2). Last evaluated 2023-04-27.

Conditions:
Duchenne muscular dystrophy (DMD). Also called: MUSCULAR DYSTROPHY, PSEUDOHYPERTROPHIC PROGRESSIVE, DUCHENNE TYPE; Duchenne Muscular Dystrophy (DMD). Identifiers: Orphanet 98896, MedGen C0013264, MONDO:0010679, OMIM 310200.
Cardiovascular phenotype. Identifiers: MedGen CN230736.

Allele frequency attached by ClinVar (database versions not stated): gnomAD exomes below 0.00001.
gnomAD v4.1: 3 of 1,211,531 alleles (0.00025%); highest among the groups gnomAD compares: East Asian, 0.003%; no homozygotes.

Submissions (2):

Labcorp Genetics (formerly Invitae), Labcorp
Classification: Uncertain significance for Duchenne muscular dystrophy. Last evaluated: 2023-04-27. Review status: criteria provided, single submitter. Criteria: Invitae Variant Classification Sherloc (09022015). Collection method: clinical testing. Allele origin: germline.
Comment: In summary, the available evidence is currently insufficient to determine the role of this variant in disease. Therefore, it has been classified as a Variant of Uncertain Significance. Advanced modeling of protein sequence and biophysical properties (such as structural, functional, and spatial information, amino acid conservation, physicochemical variation, residue mobility, and thermodynamic stability) performed at Invitae indicates that this missense variant is not expected to disrupt DMD protein function. ClinVar contains an entry for this variant (Variation ID: 1761290). This variant has not been reported in the literature in individuals affected with DMD-related conditions. This variant is not present in population databases (gnomAD no frequency). This sequence change replaces alanine, which is neutral and non-polar, with valine, which is neutral and non-polar, at codon 2644 of the DMD protein (p.Ala2644Val).

Ambry Genetics
Classification: Uncertain significance for Cardiovascular phenotype. Last evaluated: 2022-03-16. Review status: criteria provided, single submitter. Criteria: Ambry Variant Classification Scheme 2023. Collection method: clinical testing. Allele origin: germline.